The following is an entry in ClinVar:

ClinVar aggregate classification (germline): Uncertain significance (1 of 4 stars; one submission).

Conditions:
Hereditary spastic paraplegia 49 (HSAN9). Also called: TECPR2-Related Hereditary Sensory and Autonomic Neuropathy with Intellectual Disability; NEUROPATHY, HEREDITARY SENSORY AND AUTONOMIC, TYPE IX, WITH DEVELOPMENTAL DELAY; Spastic paraplegia 49, autosomal recessive. Identifiers: Orphanet 320385, MedGen C5190860, MONDO:0014016, OMIM 615031.

Submission:

Labcorp Genetics (formerly Invitae), Labcorp
Classification: Uncertain significance for Hereditary spastic paraplegia 49. Last evaluated: 2023-08-23. Review status: criteria provided, single submitter. Criteria: Invitae Variant Classification Sherloc (09022015). Collection method: clinical testing. Allele origin: germline.
Comment: An algorithm developed to predict the effect of missense changes on protein structure and function (PolyPhen-2) suggests that this variant is likely to be disruptive. In summary, the available evidence is currently insufficient to determine the role of this variant in disease. Therefore, it has been classified as a Variant of Uncertain Significance. This sequence change replaces arginine, which is basic and polar, with glycine, which is neutral and non-polar, at codon 100 of the TECPR2 protein (p.Arg100Gly). This variant is not present in population databases (gnomAD no frequency). This variant has not been reported in the literature in individuals affected with TECPR2-related conditions.

NM_014844.5(TECPR2):c.298A>G (p.Arg100Gly)

Gene: TECPR2 (tectonin beta-propeller repeat containing 2; plus strand). Cytogenetic location: 14q32.31.
Variant type: single nucleotide variant.
Coding change: c.298A>G on transcript NM_014844.5 (MANE Select); coding-DNA position 298, A replaced by G.
Protein change: p.Arg100Gly; replaces arginine 100 with glycine.
Molecular consequence: missense variant.
Genome position (GRCh38, 1-based): chr14:102,407,416, A>G. VCF-style: chr14-102407416-A-G. GRCh37 (hg19) VCF-style: chr14-102873753-A-G.
Other names: c.298A>G, p.Arg100Gly (NM_001172631.3); short protein forms R100G.
Identifiers: ClinVar variation 2747425 (VCV002747425.3), dbSNP rs770205475, ClinGen allele CA391052993.